The following is an entry in ClinVar:

ClinVar aggregate classification (germline): Uncertain significance (1 of 4 stars; one submission).

Conditions:
Hereditary diffuse gastric adenocarcinoma (HDGC). Also called: DIFFUSE GASTRIC AND LOBULAR BREAST CANCER SYNDROME. Identifiers: Orphanet 26106, MedGen C1708349, MONDO:0007648, OMIM 137215.

Submission:

Labcorp Genetics (formerly Invitae), Labcorp
Classification: Uncertain significance for Hereditary diffuse gastric adenocarcinoma. Last evaluated: 2021-05-16. Review status: criteria provided, single submitter. Criteria: Invitae Variant Classification Sherloc (09022015). Collection method: clinical testing. Allele origin: germline.
Comment: In summary, the available evidence is currently insufficient to determine the role of this variant in disease. Therefore, it has been classified as a Variant of Uncertain Significance. Algorithms developed to predict the effect of sequence changes on RNA splicing suggest that this variant may create or strengthen a splice site, but this prediction has not been confirmed by published transcriptional studies. Algorithms developed to predict the effect of missense changes on protein structure and function (SIFT, PolyPhen-2, Align-GVGD) all suggest that this variant is likely to be tolerated, but these predictions have not been confirmed by published functional studies and their clinical significance is uncertain. This variant has not been reported in the literature in individuals with CDH1-related conditions. This variant is not present in population databases (ExAC no frequency). This sequence change replaces arginine with serine at codon 124 of the CDH1 protein (p.Arg124Ser). The arginine residue is weakly conserved and there is a moderate physicochemical difference between arginine and serine.

NM_004360.5(CDH1):c.370C>A (p.Arg124Ser)

Gene: CDH1 (cadherin 1; plus strand). Cytogenetic location: 16q22.1.
Variant type: single nucleotide variant.
Coding change: c.370C>A on transcript NM_004360.5 (MANE Select); coding-DNA position 370, C replaced by A.
Protein change: p.Arg124Ser; replaces arginine 124 with serine.
Molecular consequence: missense variant. On other transcripts: 5 prime UTR variant (2).
Genome position (GRCh38, 1-based): chr16:68,801,876, C>A. VCF-style: chr16-68801876-C-A. GRCh37 (hg19) VCF-style: chr16-68835779-C-A.
Other names: c.370C>A, p.Arg124Ser (NM_001317184.2); c.-1246C>A (NM_001317185.2); c.-1450C>A (NM_001317186.2); short protein forms R124S.
Identifiers: ClinVar variation 1001566 (VCV001001566.9), dbSNP rs748086082, ClinGen allele CA396457477.
Genomic context (GRCh38, chr16:68,801,876, plus strand): 5'-GACTCCACCTACAGAAAGTTTTCCACCAAAGTCACGCTGAATACAGTGGGGCACCACCAC[C>A]GCCCCCCGCCCCATCAGGTATGTTGGCATTTTTCTGAGAAGTTCGCTGTTGTTTTAGTGC-3'
Protein context (NP_004351.1, residues 114-134): VTLNTVGHHH[Arg124Ser]PPPHQASVSG